The following is an entry in ClinVar:

ClinVar aggregate classification (germline): Benign/Likely benign. Review status: criteria provided, multiple submitters, no conflicts (2 of 4 stars). 3 submissions from 3 submitters: Benign (1); Likely benign (2). Last evaluated 2026-04-01.

Allele frequency attached by ClinVar (database versions not stated): ESP Exome Variant Server 0.00023; ExAC 0.00027; gnomAD 0.00027 and 0.00029; gnomAD exomes 0.00027.

Submissions (3):

CeGaT Center for Human Genetics Tuebingen
Classification: Likely benign. Last evaluated: 2026-04-01. Review status: criteria provided, single submitter. Criteria: CeGaT Center For Human Genetics Tuebingen Variant Classification Criteria Version 2. Collection method: clinical testing. Allele origin: germline. Affected: yes. Observed: 12 variant alleles.
Comment: KMT2C: BP4, BP7

Labcorp Genetics (formerly Invitae), Labcorp
Classification: Benign. Last evaluated: 2026-01-05. Review status: criteria provided, single submitter. Criteria: Invitae Variant Classification Sherloc (09022015). Collection method: clinical testing. Allele origin: germline.

Blueprint Genetics
Classification: Likely benign. Last evaluated: 2024-11-20. Review status: criteria provided, single submitter. Criteria: ACMG Guidelines, 2015. Collection method: clinical testing. Allele origin: germline.

NM_170606.3(KMT2C):c.2238G>A (p.Glu746=)

Gene: KMT2C (lysine methyltransferase 2C; minus strand). Cytogenetic location: 7q36.1.
Variant type: single nucleotide variant.
Coding change: c.2238G>A on transcript NM_170606.3 (MANE Select); coding-DNA position 2238, G replaced by A.
Protein change: p.Glu746=; no amino-acid change (glutamic acid 746 retained).
Molecular consequence: synonymous variant.
Genome position (GRCh38, 1-based): chr7:152,248,196, C>T on the plus strand (G>A on the coding strand, the complement: KMT2C is on the minus strand). VCF-style: chr7-152248196-C-T. GRCh37 (hg19) VCF-style: chr7-151945281-C-T.
Identifiers: ClinVar variation 1012586 (VCV001012586.44), dbSNP rs138565768, ClinGen allele CA4581281.